The following is an entry in ClinVar:

NM_001099274.3(TINF2):c.631C>G (p.Leu211Val)

Gene: TINF2 (TERF1 interacting nuclear factor 2; minus strand). Cytogenetic location: 14q12.
Variant type: single nucleotide variant.
Coding change: c.631C>G on transcript NM_001099274.3 (MANE Select); coding-DNA position 631, C replaced by G.
Protein change: p.Leu211Val; replaces leucine 211 with valine.
Molecular consequence: missense variant.
Genome position (GRCh38, 1-based): chr14:24,240,849, G>C on the plus strand (C>G on the coding strand, the complement: TINF2 is on the minus strand). VCF-style: chr14-24240849-G-C. GRCh37 (hg19) VCF-style: chr14-24710055-G-C.
Other names: c.526C>G, p.Leu176Val (NM_001363668.2); c.631C>G, p.Leu211Val (NM_012461.3); short protein forms L211V, L176V.
Identifiers: ClinVar variation 437006 (VCV000437006.16), dbSNP rs746287594, ClinGen allele CA7130589.
Genomic context (GRCh38, chr14:24,240,849, plus strand): 5'-GGGGATTGTGGAGTGCTAGTCTTTGTTGCTGAGGAGGATTCTGTTCCATGGGCTCAGCCA[G>C]GTTCACTGAGTCAGTAACAGAGCACTCTGAAAAAGAAAATGAGGCCCCTTATAAAGAGAA-3'
Protein context (NP_001092744.1, residues 201-221): PECSVTDSVN[Leu211Val]AEPMEQNPPQ

ClinVar aggregate classification (germline): Conflicting classifications of pathogenicity. Review status: criteria provided, conflicting classifications (1 of 4 stars). 3 submissions from 3 submitters: Uncertain significance (2); Likely benign (1). Last evaluated 2023-06-15.

Conditions:
Dyskeratosis congenita. Identifiers: Orphanet 1775, MedGen C0265965, MONDO:0015780.

Allele frequency attached by ClinVar (database versions not stated): gnomAD 0.00001; gnomAD exomes 0.00001; TOPMed 0.00001; ExAC 0.00002.

Submissions (3):

Labcorp Genetics (formerly Invitae), Labcorp
Classification: Uncertain significance for Dyskeratosis congenita. Last evaluated: 2023-06-15. Review status: criteria provided, single submitter. Criteria: Invitae Variant Classification Sherloc (09022015). Collection method: clinical testing. Allele origin: germline.
Comment: In summary, the available evidence is currently insufficient to determine the role of this variant in disease. Therefore, it has been classified as a Variant of Uncertain Significance. Algorithms developed to predict the effect of missense changes on protein structure and function output the following: SIFT: "Not Available"; PolyPhen-2: "Benign"; Align-GVGD: "Not Available". The valine amino acid residue is found in multiple mammalian species, which suggests that this missense change does not adversely affect protein function. ClinVar contains an entry for this variant (Variation ID: 437006). This variant has not been reported in the literature in individuals affected with TINF2-related conditions. This variant is present in population databases (rs746287594, gnomAD 0.002%). This sequence change replaces leucine, which is neutral and non-polar, with valine, which is neutral and non-polar, at codon 211 of the TINF2 protein (p.Leu211Val).

Blueprint Genetics
Classification: Likely benign. Last evaluated: 2022-10-25. Review status: criteria provided, single submitter. Criteria: ACMG Guidelines, 2015. Collection method: clinical testing. Allele origin: germline.

Genetic Services Laboratory, University of Chicago
Classification: Uncertain significance. Last evaluated: 2016-11-15. Review status: criteria provided, single submitter. Criteria: ACMG Guidelines, 2015. Collection method: clinical testing. Allele origin: germline. Affected: no.